The following is an entry in ClinVar:

ClinVar aggregate classification (germline): Pathogenic. Review status: criteria provided, multiple submitters, no conflicts (2 of 4 stars). 2 submissions from 2 submitters: Pathogenic (2). Last evaluated 2025-07-17.

Conditions:
Familial cancer of breast. Also called: BREAST CANCER, FAMILIAL; hereditary breast carcinoma; Hereditary breast cancer. Identifiers: Orphanet 227535, MedGen C0346153, MONDO:0016419, OMIM 114480. Disease mechanism: loss of function.
Fanconi anemia complementation group J. Also called: BRIP1-Related Fanconi Anemia. Identifiers: Orphanet 84, MedGen C1836860, MONDO:0012187, OMIM 609054.

Submissions (2):

Labcorp Genetics (formerly Invitae), Labcorp
Classification: Pathogenic for Familial cancer of breast; Fanconi anemia complementation group J. Last evaluated: 2025-07-17. Review status: criteria provided, single submitter. Criteria: Invitae Variant Classification Sherloc (09022015). Collection method: clinical testing. Allele origin: germline.
Comment: This sequence change creates a premature translational stop signal (p.Phe17Leufs*2) in the BRIP1 gene. It is expected to result in an absent or disrupted protein product. Loss-of-function variants in BRIP1 are known to be pathogenic (PMID: 16116423, 17033622, 21964575). This variant is not present in population databases (gnomAD no frequency). This variant has not been reported in the literature in individuals affected with BRIP1-related conditions. ClinVar contains an entry for this variant (Variation ID: 2583625). Algorithms developed to predict the effect of sequence changes on RNA splicing suggest that this variant may disrupt the consensus splice site. For these reasons, this variant has been classified as Pathogenic.

Myriad Genetics, Inc.
Classification: Pathogenic for Familial cancer of breast. Last evaluated: 2023-05-30. Review status: criteria provided, single submitter. Criteria: Myriad Autosomal Dominant, Autosomal Recessive and X-Linked Classification Criteria (2023). Collection method: clinical testing. Allele origin: unknown.
Comment: This variant is considered pathogenic. This variant creates a frameshift predicted to result in premature protein truncation.

Literature cited by the submitters: PubMed 16116423 (cited by Labcorp Genetics (formerly Invitae), Labcorp); PubMed 17033622 (cited by Labcorp Genetics (formerly Invitae), Labcorp); PubMed 21964575 (cited by Labcorp Genetics (formerly Invitae), Labcorp).

NM_032043.3(BRIP1):c.51_55del (p.Phe17fs)

Gene: BRIP1 (BRCA1 interacting DNA helicase 1; minus strand). Cytogenetic location: 17q23.2.
Variant type: Deletion.
Coding change: c.51_55del on transcript NM_032043.3 (MANE Select); coding-DNA positions 51 to 55, 5 bases deleted (TCCTT; older notation c.51_55delTCCTT).
Protein change: p.Phe17fs; shifts the reading frame from phenylalanine 17.
Molecular consequence: frameshift variant.
Genome position (GRCh38, 1-based): chr17:61,861,485-61,861,489, AAGGA deleted on the plus strand (TCCTT on the coding strand, the reverse complement: BRIP1 is on the minus strand); deleting any 5 consecutive bases within chr17:61,861,485-61,861,492 gives the same sequence; the c. name uses the placement nearest the transcript's 3' end. VCF-style (leftmost placement, unchanged base first): chr17-61861484-TAAGGA-T. GRCh37 (hg19) VCF-style: chr17-59938845-TAAGGA-T.
Other names: short protein forms F17fs.
Identifiers: ClinVar variation 2583625 (VCV002583625.4), dbSNP rs2545480492, ClinGen allele CA2582342264.